The following is an entry in ClinVar:

ClinVar aggregate classification (germline): Uncertain significance (1 of 4 stars; one submission).

gnomAD v4.1: 4 of 1,614,146 alleles (0.00025%); highest among the groups gnomAD compares: Non-Finnish European, 0.00025%; no homozygotes.

Submission:

Ambry Genetics
Classification: Uncertain significance. Last evaluated: 2024-10-31. Review status: criteria provided, single submitter. Criteria: Ambry Variant Classification Scheme 2023. Collection method: clinical testing. Allele origin: germline.
Comment: The p.S60L variant (also known as c.179C>T), located in coding exon 1 of the PALLD gene, results from a C to T substitution at nucleotide position 179. The serine at codon 60 is replaced by leucine, an amino acid with dissimilar properties. This amino acid position is conserved. In addition, this alteration is predicted to be tolerated by in silico analysis. Based on the available evidence, the clinical significance of this variant remains unclear.

NM_001166108.2(PALLD):c.179C>T (p.Ser60Leu)

Gene: PALLD (palladin, cytoskeletal associated protein; plus strand). Cytogenetic location: 4q32.3.
Variant type: single nucleotide variant.
Coding change: c.179C>T on transcript NM_001166108.2 (MANE Select); coding-DNA position 179, C replaced by T.
Protein change: p.Ser60Leu; replaces serine 60 with leucine.
Molecular consequence: missense variant.
Genome position (GRCh38, 1-based): chr4:168,511,683, C>T. VCF-style: chr4-168511683-C-T. GRCh37 (hg19) VCF-style: chr4-169432834-C-T.
Other names: c.179C>T, p.Ser60Leu (NM_016081.4); short protein forms S60L.
Identifiers: ClinVar variation 3413539 (VCV003413539.1).